The following is an entry in ClinVar:

NM_032271.3(TRAF7):c.-38-4A>T

Gene: TRAF7 (TNF receptor associated factor 7; plus strand). Cytogenetic location: 16p13.3.
Variant type: single nucleotide variant.
Coding change: c.-38-4A>T on transcript NM_032271.3 (MANE Select); 4 bases into the intron before 38 bases upstream of the start codon, A replaced by T.
Molecular consequence: intron variant.
Genome position (GRCh38, 1-based): chr16:2,163,879, A>T. VCF-style: chr16-2163879-A-T. GRCh37 (hg19) VCF-style: chr16-2213880-A-T.
Identifiers: ClinVar variation 3905538 (VCV003905538.10).
Genomic context (GRCh38, chr16:2,163,879, plus strand): 5'-CCCGTCTGACTCACAGGGGCCTGGGCTCCATCTCTCAAGCCCCTCATTTGTGCTCCACCC[A>T]CAGGAGGTGCTTCCCAAGGACCGTAGATGCCTCTCTAGAGCATGAGCTCAGGCAAGAGTG-3'

ClinVar aggregate classification (germline): Likely benign (1 of 4 stars; one submission).

gnomAD v4.1: 72 of 1,574,426 alleles (0.0046%); highest among the groups gnomAD compares: Non-Finnish European, 0.0054%; no homozygotes.

Submission:

CeGaT Center for Human Genetics Tuebingen
Classification: Likely benign. Last evaluated: 2025-05-01. Review status: criteria provided, single submitter. Criteria: CeGaT Center For Human Genetics Tuebingen Variant Classification Criteria Version 2. Collection method: clinical testing. Allele origin: germline. Affected: yes. Observed: 1 variant allele.
Comment: TRAF7: BP4